The following is an entry in ClinVar:

ClinVar aggregate classification (germline): Uncertain significance. Review status: criteria provided, multiple submitters, no conflicts (2 of 4 stars). 2 submissions from 2 submitters: Uncertain significance (2). Last evaluated 2024-04-01.

Conditions:
Charcot-Marie-Tooth disease axonal type 2U. Also called: CHARCOT-MARIE-TOOTH NEUROPATHY, TYPE 2U; CHARCOT-MARIE-TOOTH DISEASE, AXONAL, AUTOSOMAL DOMINANT, TYPE 2U. Identifiers: Orphanet 397735, MedGen C4084821, MONDO:0014566, OMIM 616280.
Severe early-onset pulmonary alveolar proteinosis due to MARS deficiency. Also called: PULMONARY ALVEOLAR PROTEINOSIS, REUNION ISLAND; Interstitial lung and liver disease. Identifiers: Orphanet 440427, MedGen C4225400, MONDO:0014206, OMIM 615486.

Allele frequency attached by ClinVar (database versions not stated): ExAC 0.00001; gnomAD exomes 0.00001; TOPMed 0.00001.
gnomAD v4.1: 9 of 1,614,170 alleles (0.00056%); highest among the groups gnomAD compares: Admixed American, 0.005%; no homozygotes.

Submissions (2):

CeGaT Center for Human Genetics Tuebingen
Classification: Uncertain significance. Last evaluated: 2024-04-01. Review status: criteria provided, single submitter. Criteria: CeGaT Center For Human Genetics Tuebingen Variant Classification Criteria Version 2. Collection method: clinical testing. Allele origin: germline. Affected: yes. Observed: 1 variant allele.
Comment: MARS1: PM2, PP3

Labcorp Genetics (formerly Invitae), Labcorp
Classification: Uncertain significance for Charcot-Marie-Tooth disease axonal type 2U; Severe early-onset pulmonary alveolar proteinosis due to MARS deficiency. Last evaluated: 2023-03-24. Review status: criteria provided, single submitter. Criteria: Invitae Variant Classification Sherloc (09022015). Collection method: clinical testing. Allele origin: germline.
Comment: ClinVar contains an entry for this variant (Variation ID: 2121474). An algorithm developed to predict the effect of missense changes on protein structure and function (PolyPhen-2) suggests that this variant is likely to be disruptive. In summary, the available evidence is currently insufficient to determine the role of this variant in disease. Therefore, it has been classified as a Variant of Uncertain Significance. This variant has not been reported in the literature in individuals affected with MARS-related conditions. This sequence change replaces arginine, which is basic and polar, with glutamine, which is neutral and polar, at codon 497 of the MARS protein (p.Arg497Gln). This variant is present in population databases (rs773985407, gnomAD 0.009%).

NM_004990.4(MARS1):c.1490G>A (p.Arg497Gln)

Gene: MARS1 (methionyl-tRNA synthetase 1; plus strand). Cytogenetic location: 12q13.3.
Variant type: single nucleotide variant.
Coding change: c.1490G>A on transcript NM_004990.4 (MANE Select); coding-DNA position 1490, G replaced by A.
Protein change: p.Arg497Gln; replaces arginine 497 with glutamine.
Molecular consequence: missense variant.
Genome position (GRCh38, 1-based): chr12:57,511,819, G>A. VCF-style: chr12-57511819-G-A. GRCh37 (hg19) VCF-style: chr12-57905602-G-A.
Other names: short protein forms R497Q.
Identifiers: ClinVar variation 2121474 (VCV002121474.24), dbSNP rs773985407, ClinGen allele CA6650530.